The following is an entry in ClinVar:

ClinVar aggregate classification (germline): Likely benign. Review status: criteria provided, single submitter (1 of 4 stars). 2 submissions from 2 submitters: Likely benign (1). 1 of the submissions does not count toward it. Last evaluated 2024-10-24.

Conditions:
DSC2-related disorder. Also called: DSC2-related condition.
Arrhythmogenic right ventricular dysplasia 11. Also called: ARRHYTHMOGENIC RIGHT VENTRICULAR DYSPLASIA, FAMILIAL, 11; Arrhythmogenic Right Ventricular Dysplasia/Cardiomyopathy11; Arrhythmogenic right ventricular dysplasia 11 with mild palmoplantar keratoderma and woolly hair. Identifiers: MedGen C1864850, MONDO:0012506, OMIM 610476.

gnomAD v4.1: 4 of 1,614,022 alleles (0.00025%); highest among the groups gnomAD compares: Admixed American, 0.0033%; no homozygotes.

Submissions (2):

Labcorp Genetics (formerly Invitae), Labcorp
Classification: Likely benign for Arrhythmogenic right ventricular dysplasia 11. Last evaluated: 2024-10-24. Review status: criteria provided, single submitter. Criteria: Invitae Variant Classification Sherloc (09022015). Collection method: clinical testing. Allele origin: germline.

PreventionGenetics, part of Exact Sciences
Classification: Likely benign for DSC2-related condition. Last evaluated: 2024-06-10. Review status: no assertion criteria provided. Collection method: clinical testing. Allele origin: germline. Not counted in ClinVar's aggregate classification.
Comment: This variant is classified as likely benign based on ACMG/AMP sequence variant interpretation guidelines (Richards et al. 2015 PMID: 25741868, with internal and published modifications).

NM_024422.6(DSC2):c.1755C>T (p.Cys585=)

Gene: DSC2 (desmocollin 2; minus strand). Cytogenetic location: 18q12.1.
Variant type: single nucleotide variant.
Coding change: c.1755C>T on transcript NM_024422.6 (MANE Select); coding-DNA position 1755, C replaced by T.
Protein change: p.Cys585=; no amino-acid change (cysteine 585 retained).
Molecular consequence: synonymous variant.
Genome position (GRCh38, 1-based): chr18:31,074,816, G>A on the plus strand (C>T on the coding strand, the complement: DSC2 is on the minus strand). VCF-style: chr18-31074816-G-A. GRCh37 (hg19) VCF-style: chr18-28654782-G-A.
Other names: c.1326C>T, p.Cys442= (NM_001406506.1, NM_001406507.1); c.1755C>T, p.Cys585= (NM_004949.5).
Identifiers: ClinVar variation 3346239 (VCV003346239.3).
Genomic context (GRCh38, chr18:31,074,816, plus strand): 5'-GCCATGGATAGGCTCATCAGGATCAACCGCAACAATCTCCGCAGATGACATGGTGGGTTT[G>A]CAGATGATCACTGTCTTTTTAGGTATGAATGGGCTGTTATCATTCACGTCTTGAAGTATA-3'
Protein context (NP_077740.1, residues 575-595): PFIPKKTVII[Cys585=]KPTMSSAEIV